The following is an entry in ClinVar:

ClinVar aggregate classification (germline): Uncertain significance. Review status: criteria provided, multiple submitters, no conflicts (2 of 4 stars). 6 submissions from 5 submitters: Uncertain significance (5). 1 of the submissions does not count toward it. Last evaluated 2026-01-20.

Conditions:
Goldmann-Favre syndrome. Identifiers: Orphanet 53540, MedGen C0339541, MONDO:0100289.
Enhanced S-cone syndrome (ESCS). Identifiers: Orphanet 53540, MedGen C1849394, MONDO:0100288, MONDO:0009989.
Retinitis pigmentosa 37 (RP37). Identifiers: Orphanet 791, MedGen C1970163, MONDO:0012625, OMIM 611131.

Allele frequency attached by ClinVar (database versions not stated): gnomAD exomes 0.00008 and 0.00014; 1000 Genomes Project 30x 0.00078; gnomAD 0.00005 and 0.00009; ExAC 0.00019; 1000 Genomes Project 0.00100.
gnomAD v4.1: 127 of 1,610,036 alleles (0.0079%); highest among the groups gnomAD compares: South Asian, 0.079%; 1 homozygote.

Submissions (6):

Labcorp Genetics (formerly Invitae), Labcorp
Classification: Uncertain significance. Last evaluated: 2026-01-20. Review status: criteria provided, single submitter. Criteria: Invitae Variant Classification Sherloc (09022015). Collection method: clinical testing. Allele origin: germline.
Comment: This sequence change replaces valine, which is neutral and non-polar, with methionine, which is neutral and non-polar, at codon 366 of the NR2E3 protein (p.Val366Met). This variant is present in population databases (rs150971548, gnomAD 0.09%). This variant has not been reported in the literature in individuals affected with NR2E3-related conditions. ClinVar contains an entry for this variant (Variation ID: 970775). Invitae Evidence Modeling of protein sequence and biophysical properties (such as structural, functional, and spatial information, amino acid conservation, physicochemical variation, residue mobility, and thermodynamic stability) indicates that this missense variant is not expected to disrupt NR2E3 protein function with a negative predictive value of 80%. In summary, the available evidence is currently insufficient to determine the role of this variant in disease. Therefore, it has been classified as a Variant of Uncertain Significance.

Blueprint Genetics
Classification: Uncertain significance. Last evaluated: 2024-08-22. Review status: criteria provided, single submitter. Criteria: ACMG Guidelines, 2015. Collection method: clinical testing. Allele origin: germline.

Genome-Nilou Lab
Classification: Uncertain significance for ENHANCED S-CONE SYNDROME 1. Last evaluated: 2021-07-14. Review status: criteria provided, single submitter. Criteria: ACMG Guidelines, 2015. Collection method: clinical testing. Allele origin: germline. Affected: no.

Genome-Nilou Lab
Classification: Uncertain significance for Retinitis pigmentosa 37. Last evaluated: 2021-07-14. Review status: criteria provided, single submitter. Criteria: ACMG Guidelines, 2015. Collection method: clinical testing. Allele origin: germline. Affected: no.

GeneDx
Classification: Uncertain significance. Last evaluated: 2019-07-12. Review status: criteria provided, single submitter. Criteria: GeneDx Variant Classification Process June 2021. Collection method: clinical testing. Allele origin: germline. Affected: yes.
Comment: Has not been previously published as pathogenic or benign to our knowledge; In silico analysis, which includes protein predictors and evolutionary conservation, supports that this variant does not alter protein structure/function

Natera, Inc.
Classification: Uncertain significance for Goldmann-Favre syndrome. Last evaluated: 2020-08-01. Review status: no assertion criteria provided. Collection method: clinical testing. Allele origin: germline. Not counted in ClinVar's aggregate classification.

NM_014249.4(NR2E3):c.1096G>A (p.Val366Met)

Gene: NR2E3 (nuclear receptor subfamily 2 group E member 3; plus strand). Cytogenetic location: 15q23.
Variant type: single nucleotide variant.
Coding change: c.1096G>A on transcript NM_014249.4 (MANE Select); coding-DNA position 1096, G replaced by A.
Protein change: p.Val366Met; replaces valine 366 with methionine.
Molecular consequence: missense variant.
Genome position (GRCh38, 1-based): chr15:71,814,113, G>A. VCF-style: chr15-71814113-G-A. GRCh37 (hg19) VCF-style: chr15-72106454-G-A.
Other names: c.1096G>A, p.Val366Met (NM_016346.4); c.1096G>A (NM_014249.2); short protein forms V366M.
Identifiers: ClinVar variation 970775 (VCV000970775.12), dbSNP rs150971548, ClinGen allele CA7640494.
Genomic context (GRCh38, chr15:71,814,113, plus strand): 5'-CAGGACCAGTCCCAAGTGATGCTGAGCCAGCACAGCAAGGCCCACCACCCCAGCCAGCCC[G>A]TGAGGTGACCTGAGCATGCGCCCACCCACTCATCTGTCCCTGACCTCTAACCTTTCTCTG-3'
Protein context (NP_055064.1, residues 356-376): HSKAHHPSQP[Val366Met]RFGKLLLLLP